The following is an entry in ClinVar:

ClinVar aggregate classification (germline): Uncertain significance. Review status: criteria provided, multiple submitters, no conflicts (2 of 4 stars). 2 submissions from 2 submitters: Uncertain significance (2). Last evaluated 2025-06-03.

Conditions:
Malignant hyperthermia, susceptibility to, 1 (MHS1). Also called: RYR1-Related Malignant Hyperthermia Susceptibility; Malignant hyperthermia suceptibility 1; Anesthesia related hyperthermia; Malignant hyperpyrexia; Fulminating hyperpyrexia; Pharmacogenic myopathy. Identifiers: Orphanet 423, MedGen C2930980, MONDO:0007783, OMIM 145600.
RYR1-related disorder. Also called: RYR1-related disorders; RYR1-related condition. Identifiers: MedGen CN239331.

Allele frequency attached by ClinVar (database versions not stated): ExAC 0.00001; gnomAD exomes 0.00003 and 0.00006; gnomAD 0.00011; TOPMed 0.00011.
gnomAD v4.1: 59 of 1,613,204 alleles (0.0037%); highest among the groups gnomAD compares: Admixed American, 0.035%; no homozygotes.

Submissions (2):

Color Diagnostics, LLC DBA Color Health
Classification: Uncertain significance for Malignant hyperthermia, susceptibility to, 1. Last evaluated: 2025-06-03. Review status: criteria provided, single submitter. Criteria: ACMG Guidelines, 2015. Collection method: clinical testing. Allele origin: germline.
Comment: This missense variant replaces aspartic acid with asparagine at codon 1460 of the RYR1 protein. Computational prediction suggests that this variant may not impact protein structure and function. To our knowledge, functional studies have not been reported for this variant. This variant has not been reported in individuals affected with RYR1-related disorders in the literature. This variant has been identified in 14/251330 chromosomes in the general population by the Genome Aggregation Database (gnomAD). The available evidence is insufficient to determine the role of this variant in disease conclusively. Therefore, this variant is classified as a Variant of Uncertain Significance.

Labcorp Genetics (formerly Invitae), Labcorp
Classification: Uncertain significance for RYR1-related disorder. Last evaluated: 2022-09-13. Review status: criteria provided, single submitter. Criteria: Invitae Variant Classification Sherloc (09022015). Collection method: clinical testing. Allele origin: germline.
Comment: This sequence change replaces aspartic acid, which is acidic and polar, with asparagine, which is neutral and polar, at codon 1460 of the RYR1 protein (p.Asp1460Asn). This variant is present in population databases (rs753735721, gnomAD 0.02%). This variant has not been reported in the literature in individuals affected with RYR1-related conditions. ClinVar contains an entry for this variant (Variation ID: 1024298). Advanced modeling of protein sequence and biophysical properties (such as structural, functional, and spatial information, amino acid conservation, physicochemical variation, residue mobility, and thermodynamic stability) performed at Invitae indicates that this missense variant is not expected to disrupt RYR1 protein function. In summary, the available evidence is currently insufficient to determine the role of this variant in disease. Therefore, it has been classified as a Variant of Uncertain Significance.

NM_000540.3(RYR1):c.4378G>A (p.Asp1460Asn)

Gene: RYR1 (ryanodine receptor 1; plus strand). Cytogenetic location: 19q13.2.
Variant type: single nucleotide variant.
Coding change: c.4378G>A on transcript NM_000540.3 (MANE Select); coding-DNA position 4378, G replaced by A.
Protein change: p.Asp1460Asn; replaces aspartic acid 1460 with asparagine.
Molecular consequence: missense variant.
Genome position (GRCh38, 1-based): chr19:38,477,794, G>A. VCF-style: chr19-38477794-G-A. GRCh37 (hg19) VCF-style: chr19-38968434-G-A.
Other names: c.4378G>A, p.Asp1460Asn (NM_001042723.2); short protein forms D1460N.
Identifiers: ClinVar variation 1024298 (VCV001024298.5), dbSNP rs753735721, ClinGen allele CA066001.
Genomic context (GRCh38, chr19:38,477,794, plus strand): 5'-GCTGGACAGGAGCCCAGCTGCGTGTGGGCGGGCTGGGTCACCCCTGACTACCATCAGCAC[G>A]ACATGAGCTTCGACCTCAGCAAGGTCCGGGTCGTGACGGTGACCATGGGGGATGAACAAG-3'
Protein context (NP_000531.2, residues 1450-1470): GWVTPDYHQH[Asp1460Asn]MSFDLSKVRV